The following is an entry in ClinVar:

NM_006087.4(TUBB4A):c.535G>C (p.Val179Leu)

Gene: TUBB4A (tubulin beta 4A class IVa; minus strand). Cytogenetic location: 19p13.3.
Variant type: single nucleotide variant.
Coding change: c.535G>C on transcript NM_006087.4 (MANE Select); coding-DNA position 535, G replaced by C.
Protein change: p.Val179Leu; replaces valine 179 with leucine.
Molecular consequence: missense variant.
Genome position (GRCh38, 1-based): chr19:6,495,964, C>G on the plus strand (G>C on the coding strand, the complement: TUBB4A is on the minus strand). VCF-style: chr19-6495964-C-G. GRCh37 (hg19) VCF-style: chr19-6495975-C-G.
Other names: c.688G>C, p.Val230Leu (NM_001289123.2); c.670G>C, p.Val224Leu (NM_001289127.2); c.535G>C, p.Val179Leu (NM_001289129.2); c.319G>C, p.Val107Leu (NM_001289130.2, NM_001289131.2); short protein forms V179L, V230L, V224L, V107L.
Identifiers: ClinVar variation 372789 (VCV000372789.2), dbSNP rs1057517986, ClinGen allele CA16043119.

ClinVar aggregate classification (germline): Pathogenic (1 of 4 stars; one submission).

Submission:

GeneDx
Classification: Pathogenic. Last evaluated: 2016-11-07. Review status: criteria provided, single submitter. Criteria: GeneDx Variant Classification (06012015). Collection method: clinical testing. Allele origin: germline. Affected: yes.
Comment: The V179L variant in the TUBB4A gene has been reported previously in a patient with nystagmus, microcephaly, dystonia, and hypomyelination (Isakov et al., 2015). The V179L variant was not observed in approximately 6500 individuals of European and African American ancestry in the NHLBI Exome Sequencing Project, indicating it is not a common benign variant in these populations. The V179L variant is a conservative amino acid substitution, which is not likely to impact secondary protein structure as these residues share similar properties. This substitution occurs at a position that is conserved across species. In silico analysis is inconsistent in its predictions as to whether or not the variant is damaging to the protein structure/function. Missense variants in nearby residues (T178M, T178R, V180G P182T) have been reported in the Human Gene Mutation Database in association with hypomyelinating leukodystrophy (Stenson et al., 2014), supporting the functional importance of this region of the protein. We interpret V179L as a pathogenic variant.